The following is an entry in ClinVar:

NM_144672.4(OTOA):c.746_751delinsA (p.Ser249fs)

Gene: OTOA (otoancorin). Cytogenetic location: 16p12.2.
Variant type: Indel.
Coding change: c.746_751delinsA on transcript NM_144672.4 (MANE Select); coding-DNA positions 746 to 751, the reference bases replaced by A.
Protein change: p.Ser249fs; shifts the reading frame from serine 249.
Molecular consequence: frameshift variant.
Genome position: GRCh38 VCF-style: chr16-21697781-CTGCTT-A. GRCh37 (hg19) VCF-style: chr16-21709102-CTGCTT-A.
Other names: c.509_514delinsA, p.Ser170fs (NM_001161683.2); c.746_751delCTGCTTinsA (NM_144672.3); short protein forms S249fs, S170fs.
Identifiers: ClinVar variation 228383 (VCV000228383.9), dbSNP rs876657716, ClinGen allele CA10577003.

ClinVar aggregate classification (germline): Pathogenic/Likely pathogenic. Review status: criteria provided, multiple submitters, no conflicts (2 of 4 stars). 3 submissions from 3 submitters: Pathogenic (2); Likely pathogenic (1). Last evaluated 2025-12-19.

Conditions:
Rare genetic deafness. Identifiers: Orphanet 96210, MedGen C5680250.
Monogenic hearing loss.

Submissions (3):

Genetics Laboratory, Great Ormond Street Hospital NHS Foundation Trust, North Thames Genomic Laboratory Hub
Classification: Pathogenic for Monogenic hearing loss. Last evaluated: 2025-12-19. Review status: criteria provided, single submitter. Criteria: ACGS Best Practice Guidelines for Variant Classification in Rare Disease 2024 v1.2. Collection method: clinical testing. Allele origin: germline. Affected: yes.
Comment: PM2_moderate, PVS1_very-strong, PM3_moderate

GeneDx
Classification: Likely pathogenic. Last evaluated: 2025-05-20. Review status: criteria provided, single submitter. Criteria: GeneDx Variant Classification Process June 2021. Collection method: clinical testing. Allele origin: germline. Affected: yes.
Comment: Frameshift variant predicted to result in protein truncation or nonsense mediated decay in a gene for which loss of function is a known mechanism of disease; Not observed at significant frequency in large population cohorts (gnomAD); Has not been previously published as pathogenic or benign to our knowledge

Laboratory for Molecular Medicine, Mass General Brigham Personalized Medicine
Classification: Pathogenic for Rare genetic deafness. Last evaluated: 2015-07-01. Review status: criteria provided, single submitter. Criteria: LMM Criteria. Collection method: clinical testing. Allele origin: germline. Inheritance: Autosomal recessive inheritance. Observed: 1 variant allele.
Comment: The p.Ser249fs variant in OTOA has not been previously reported in individuals w ith hearing loss. This variant is predicted to cause a frameshift, which alters the protein?s amino acid sequence beginning at position 249 and leads to a prema ture termination codon 21 amino acids downstream. This alteration is then predic ted to lead to a truncated or absent protein. Loss of function of the OTOA gene is an established disease mechanism in autosomal recessive sensorineural hearing loss. In summary, this variant meets our criteria to be classified as pathogeni c for hearing loss in an autosomal recessive manner (edmedicine/lmm), based on the predicted impact of the variant.